The following is an entry in ClinVar:

NM_032982.4(CASP2):c.876+9A>G

Gene: CASP2 (caspase 2; plus strand). Cytogenetic location: 7q34.
Variant type: single nucleotide variant.
Coding change: c.876+9A>G on transcript NM_032982.4 (MANE Select); 9 bases into the intron after coding-DNA position 876, A replaced by G.
Molecular consequence: intron variant.
Genome position (GRCh38, 1-based): chr7:143,300,060, A>G. VCF-style: chr7-143300060-A-G. GRCh37 (hg19) VCF-style: chr7-142997153-A-G.
Other names: c.*331+9A>G (NM_032983.4); c.783+9A>G (NM_001224.5).
Identifiers: ClinVar variation 3040385 (VCV003040385.2), dbSNP rs145310616, ClinGen allele CA4536577.

ClinVar aggregate classification (germline): Likely benign (0 of 4 stars; one submission).

Conditions:
CASP2-related disorder. Also called: CASP2-related condition.

Allele frequency attached by ClinVar (database versions not stated): 1000 Genomes Project 30x 0.00016; 1000 Genomes Project 0.00020; ExAC 0.00029; ESP Exome Variant Server 0.00031; gnomAD 0.00033; TOPMed 0.00057.
gnomAD v4.1: 788 of 1,614,100 alleles (0.049%); highest among the groups gnomAD compares: Admixed American, 0.083%; 1 homozygote.

Submission:

PreventionGenetics, part of Exact Sciences
Classification: Likely benign for CASP2-related condition. Last evaluated: 2019-10-28. Review status: no assertion criteria provided. Collection method: clinical testing. Allele origin: germline.
Comment: This variant is classified as likely benign based on ACMG/AMP sequence variant interpretation guidelines (Richards et al. 2015 PMID: 25741868, with internal and published modifications).